The following is an entry in ClinVar:

NM_032043.3(BRIP1):c.380A>G (p.Asp127Gly)

Gene: BRIP1 (BRCA1 interacting DNA helicase 1; minus strand). Cytogenetic location: 17q23.2.
Variant type: single nucleotide variant.
Coding change: c.380A>G on transcript NM_032043.3 (MANE Select); coding-DNA position 380, A replaced by G.
Protein change: p.Asp127Gly; replaces aspartic acid 127 with glycine.
Molecular consequence: missense variant.
Genome position (GRCh38, 1-based): chr17:61,849,256, T>C on the plus strand (A>G on the coding strand, the complement: BRIP1 is on the minus strand). VCF-style: chr17-61849256-T-C. GRCh37 (hg19) VCF-style: chr17-59926617-T-C.
Other names: short protein forms D127G.
Identifiers: ClinVar variation 639411 (VCV000639411.14), dbSNP rs1170174893, ClinGen allele CA400484618.

ClinVar aggregate classification (germline): Uncertain significance. Review status: criteria provided, multiple submitters, no conflicts (2 of 4 stars). 2 submissions from 2 submitters: Uncertain significance (2). Last evaluated 2024-04-16.

Conditions:
Hereditary cancer-predisposing syndrome. Also called: Hereditary Cancer Syndrome; Neoplastic Syndromes, Hereditary; Tumor predisposition; Hereditary neoplastic syndrome. Identifiers: Orphanet 140162, MedGen C0027672, MeSH D009386, MONDO:0015356.
Familial cancer of breast. Also called: BREAST CANCER, FAMILIAL; hereditary breast carcinoma; Hereditary breast cancer. Identifiers: Orphanet 227535, MedGen C0346153, MONDO:0016419, OMIM 114480. Disease mechanism: loss of function.
Fanconi anemia complementation group J. Also called: BRIP1-Related Fanconi Anemia. Identifiers: Orphanet 84, MedGen C1836860, MONDO:0012187, OMIM 609054.

Allele frequency attached by ClinVar (database versions not stated): gnomAD exomes 0.00001; gnomAD 0.00003 and 0.00004; TOPMed 0.00003.
gnomAD v4.1: 8 of 1,611,100 alleles (0.0005%); highest among the groups gnomAD compares: Admixed American, 0.013%; no homozygotes.

Submissions (2):

Labcorp Genetics (formerly Invitae), Labcorp
Classification: Uncertain significance for Familial cancer of breast; Fanconi anemia complementation group J. Last evaluated: 2024-04-16. Review status: criteria provided, single submitter. Criteria: Invitae Variant Classification Sherloc (09022015). Collection method: clinical testing. Allele origin: germline.
Comment: This sequence change replaces aspartic acid, which is acidic and polar, with glycine, which is neutral and non-polar, at codon 127 of the BRIP1 protein (p.Asp127Gly). This variant is present in population databases (no rsID available, gnomAD 0.006%). This variant has not been reported in the literature in individuals affected with BRIP1-related conditions. ClinVar contains an entry for this variant (Variation ID: 639411). An algorithm developed to predict the effect of missense changes on protein structure and function (PolyPhen-2) suggests that this variant is likely to be tolerated. In summary, the available evidence is currently insufficient to determine the role of this variant in disease. Therefore, it has been classified as a Variant of Uncertain Significance.

Ambry Genetics
Classification: Uncertain significance for Hereditary cancer-predisposing syndrome. Last evaluated: 2023-07-27. Review status: criteria provided, single submitter. Criteria: Ambry Variant Classification Scheme 2023. Collection method: clinical testing. Allele origin: germline.
Comment: The p.D127G variant (also known as c.380A>G) is located in coding exon 4 of the BRIP1 gene. The aspartic acid at codon 127 is replaced by glycine, an amino acid with similar properties. This amino acid position is not well conserved in available vertebrate species. In addition, this alteration is predicted to be tolerated by in silico analysis. Since supporting evidence is limited at this time, the clinical significance of this alteration remains unclear.